The following is an entry in ClinVar:

ClinVar aggregate classification (germline): Likely pathogenic. Review status: criteria provided, multiple submitters, no conflicts (2 of 4 stars). 2 submissions from 2 submitters: Likely pathogenic (2). Last evaluated 2025-06-23.

Conditions:
Autosomal recessive limb-girdle muscular dystrophy type 2J (LGMDR10). Also called: Limb-girdle muscular dystrophy, type 2J; MUSCULAR DYSTROPHY, LIMB-GIRDLE, AUTOSOMAL RECESSIVE 10. Identifiers: Orphanet 140922, MedGen C1837342, MONDO:0012127, OMIM 608807.
Dilated cardiomyopathy 1G (CMD1G). Identifiers: Orphanet 154, MedGen C1858763, MONDO:0011400, OMIM 604145.

Submissions (2):

GeneDx
Classification: Likely pathogenic. Last evaluated: 2025-06-23. Review status: criteria provided, single submitter. Criteria: GeneDx Variant Classification Process June 2021. Collection method: clinical testing. Allele origin: germline. Affected: yes.
Comment: Frameshift variant predicted to result in protein truncation or nonsense mediated decay in a gene for which loss of function is a known mechanism of disease; Located in a specific region of the I-band within TTN for which truncating variants are significantly associated with autosomal dominant cardiomyopathy and also with autosomal recessive skeletal myopathies (PMID: 27625338, 27869827, 32778822); Not observed at significant frequency in large population cohorts (gnomAD); Has not been previously published as pathogenic or benign to our knowledge; This variant is associated with the following publications: (PMID: 27625338, 27869827, 32778822)

Labcorp Genetics (formerly Invitae), Labcorp
Classification: Likely pathogenic for Dilated cardiomyopathy 1G; Autosomal recessive limb-girdle muscular dystrophy type 2J. Last evaluated: 2024-12-19. Review status: criteria provided, single submitter. Criteria: Invitae Variant Classification Sherloc (09022015). Collection method: clinical testing. Allele origin: germline.
Comment: This sequence change creates a premature translational stop signal (p.Pro13318Glnfs*18) in the TTN gene. While this is not anticipated to result in nonsense mediated decay, it is expected to create a truncated TTN protein. This variant is present in population databases (no rsID available, gnomAD 0.004%). This variant has not been reported in the literature in individuals affected with TTN-related conditions. This variant is located in the I band of TTN (PMID: 25589632). Truncating variants in this region have been reported in individuals affected with autosomal recessive centronuclear myopathy (PMID: 23975875, internal data). Truncating variants in this region have also been identified in individuals affected with autosomal dominant dilated cardiomyopathy and/or cardio-related conditions (PMID: 27869827, 32964742, internal data). In summary, the currently available evidence indicates that the variant is pathogenic, but additional data are needed to prove that conclusively. Therefore, this variant has been classified as Likely Pathogenic.

Literature cited by the submitters: PubMed 25589632 (cited by Labcorp Genetics (formerly Invitae), Labcorp); PubMed 23975875 (cited by Labcorp Genetics (formerly Invitae), Labcorp); PubMed 27869827 (cited by Labcorp Genetics (formerly Invitae), Labcorp); PubMed 32964742 (cited by Labcorp Genetics (formerly Invitae), Labcorp).

NM_001267550.2(TTN):c.39953del (p.Pro13318fs)

Gene: TTN (titin; minus strand). Cytogenetic location: 2q31.2.
Variant type: Deletion.
Coding change: c.39953del on transcript NM_001267550.2 (MANE Select); coding-DNA position 39953, one base deleted (C; older notation c.39953delC).
Protein change: p.Pro13318fs; shifts the reading frame from proline 13318.
Molecular consequence: frameshift variant. On other transcripts: intron variant (5).
Genome position (GRCh38, 1-based): chr2:178,649,574, G deleted on the plus strand (C on the coding strand, the reverse complement: TTN is on the minus strand); the first of 2 consecutive G bases (chr2:178,649,574-178,649,575); deleting either gives the same sequence. VCF-style (leftmost placement, unchanged base first): chr2-178649573-TG-T. GRCh37 (hg19) VCF-style: chr2-179514300-TG-T.
Other names: c.39953del (NM_001267550.1); c.39952delC, p.Pro13318Glnfs (NM_001267550.1); c.13283-7257del (NM_003319.4); c.13859-7257del (NM_133437.4); c.13658-7257del (NM_133432.3); c.32593+243del (NM_133378.4); c.35374+243del (NM_001256850.1); short protein forms P13318fs.
Identifiers: ClinVar variation 3761841 (VCV003761841.3).